The following is an entry in ClinVar:

NM_001134407.3(GRIN2A):c.2683T>G (p.Leu895Val)

Gene: GRIN2A (glutamate ionotropic receptor NMDA type subunit 2A; minus strand). Cytogenetic location: 16p13.2.
Variant type: single nucleotide variant.
Coding change: c.2683T>G on transcript NM_001134407.3 (MANE Select); coding-DNA position 2683, T replaced by G.
Protein change: p.Leu895Val; replaces leucine 895 with valine.
Molecular consequence: missense variant.
Genome position (GRCh38, 1-based): chr16:9,764,861, A>C on the plus strand (T>G on the coding strand, the complement: GRIN2A is on the minus strand). VCF-style: chr16-9764861-A-C. GRCh37 (hg19) VCF-style: chr16-9858718-A-C.
Other names: c.2683T>G, p.Leu895Val (NM_000833.5, NM_001134408.2); short protein forms L895V.
Identifiers: ClinVar variation 4799117 (VCV004799117.1).

ClinVar aggregate classification (germline): Uncertain significance (1 of 4 stars; one submission).

Conditions:
Landau-Kleffner syndrome (FESD). Also called: EPILEPSY, FOCAL, WITH SPEECH DISORDER AND WITH OR WITHOUT MENTAL RETARDATION; APHASIA, ACQUIRED, WITH EPILEPSY. Identifiers: Orphanet 1945, Orphanet 725, Orphanet 98818, MedGen C0282512, MONDO:0009509, OMIM 245570.

gnomAD v4.1: 1 of 1,614,156 alleles (0.000062%); no homozygotes.

Submission:

Labcorp Genetics (formerly Invitae), Labcorp
Classification: Uncertain significance for Landau-Kleffner syndrome. Last evaluated: 2025-04-23. Review status: criteria provided, single submitter. Criteria: Invitae Variant Classification Sherloc (09022015). Collection method: clinical testing. Allele origin: germline.
Comment: This sequence change replaces leucine, which is neutral and non-polar, with valine, which is neutral and non-polar, at codon 895 of the GRIN2A protein (p.Leu895Val). This variant is not present in population databases (gnomAD no frequency). This variant has not been reported in the literature in individuals affected with GRIN2A-related conditions. Invitae Evidence Modeling of protein sequence and biophysical properties (such as structural, functional, and spatial information, amino acid conservation, physicochemical variation, residue mobility, and thermodynamic stability) has been performed for this missense variant. However, the output from this modeling did not meet the statistical confidence thresholds required to predict the impact of this variant on GRIN2A protein function. In summary, the available evidence is currently insufficient to determine the role of this variant in disease. Therefore, it has been classified as a Variant of Uncertain Significance.